The following is an entry in ClinVar:

ClinVar aggregate classification (germline): Uncertain significance (1 of 4 stars; one submission).

Conditions:
Hermansky-Pudlak syndrome 2 (HPS2). Also called: Platelet defects and oculocutaneous albinism. Identifiers: Orphanet 183678, Orphanet 79430, MedGen C1842362, MONDO:0011997, OMIM 608233.

Submission:

Labcorp Genetics (formerly Invitae), Labcorp
Classification: Uncertain significance for Hermansky-Pudlak syndrome 2. Last evaluated: 2025-02-13. Review status: criteria provided, single submitter. Criteria: Invitae Variant Classification Sherloc (09022015). Collection method: clinical testing. Allele origin: germline.
Comment: This sequence change replaces leucine, which is neutral and non-polar, with valine, which is neutral and non-polar, at codon 626 of the AP3B1 protein (p.Leu626Val). This variant is present in population databases (rs766858184, gnomAD 0.006%). This variant has not been reported in the literature in individuals affected with AP3B1-related conditions. An algorithm developed to predict the effect of missense changes on protein structure and function (PolyPhen-2) suggests that this variant is likely to be tolerated. In summary, the available evidence is currently insufficient to determine the role of this variant in disease. Therefore, it has been classified as a Variant of Uncertain Significance.

NM_003664.5(AP3B1):c.1876C>G (p.Leu626Val)

Gene: AP3B1 (adaptor related protein complex 3 subunit beta 1; minus strand). Cytogenetic location: 5q14.1.
Variant type: single nucleotide variant.
Coding change: c.1876C>G on transcript NM_003664.5 (MANE Select); coding-DNA position 1876, C replaced by G.
Protein change: p.Leu626Val; replaces leucine 626 with valine.
Molecular consequence: missense variant.
Genome position (GRCh38, 1-based): chr5:78,128,122, G>C on the plus strand (C>G on the coding strand, the complement: AP3B1 is on the minus strand). VCF-style: chr5-78128122-G-C. GRCh37 (hg19) VCF-style: chr5-77423946-G-C.
Other names: c.1729C>G, p.Leu577Val (NM_001271769.2); c.1876C>G, p.Leu626Val (NM_001410752.1); short protein forms L626V, L577V.
Identifiers: ClinVar variation 4761387 (VCV004761387.1).